The following is an entry in ClinVar:

ClinVar aggregate classification (germline): Uncertain significance (1 of 4 stars; one submission).

Conditions:
Hereditary cancer-predisposing syndrome. Also called: Neoplastic Syndromes, Hereditary; Tumor predisposition; Hereditary Cancer Syndrome; Hereditary neoplastic syndrome. Identifiers: Orphanet 140162, MedGen C0027672, MeSH D009386, MONDO:0015356.

Submission:

Ambry Genetics
Classification: Uncertain significance for Hereditary cancer-predisposing syndrome. Last evaluated: 2026-07-30. Review status: criteria provided, single submitter. Criteria: Ambry Variant Classification Scheme 2023. Collection method: clinical testing. Allele origin: germline.
Comment: The p.L86P variant (also known as c.257T>C), located in coding exon 2 of the PTCH1 gene, results from a T to C substitution at nucleotide position 257. The leucine at codon 86 is replaced by proline, an amino acid with similar properties. This amino acid position is conserved. In addition, this alteration is predicted to be deleterious by in silico analysis. Based on the available evidence, the clinical significance of this alteration remains unclear.

NM_000264.5(PTCH1):c.257T>C (p.Leu86Pro)

Gene: PTCH1 (patched 1; minus strand). Cytogenetic location: 9q22.32.
Variant type: single nucleotide variant.
Coding change: c.257T>C on transcript NM_000264.5 (MANE Select); coding-DNA position 257, T replaced by C.
Protein change: p.Leu86Pro; replaces leucine 86 with proline.
Molecular consequence: missense variant. On other transcripts: 5 prime UTR variant (4), non-coding transcript variant (1).
Genome position (GRCh38, 1-based): chr9:95,506,544, A>G on the plus strand (T>C on the coding strand, the complement: PTCH1 is on the minus strand). VCF-style: chr9-95506544-A-G. GRCh37 (hg19) VCF-style: chr9-98268826-A-G.
Other names: c.59T>C, p.Leu20Pro (NM_001083602.3, NM_001354919.2); c.254T>C, p.Leu85Pro (NM_001083603.3); c.-197T>C (NM_001083604.3, NM_001083605.3, NM_001083606.3 and 1 more transcripts); c.257T>C, p.Leu86Pro (NM_001354918.2); short protein forms L20P, L85P, L86P.
Identifiers: ClinVar variation 3230984 (VCV003230984.2), dbSNP rs2118879718, ClinGen allele CA374120495.